The following is an entry in ClinVar:

ClinVar aggregate classification (germline): Benign. Review status: criteria provided, multiple submitters, no conflicts (2 of 4 stars). 5 submissions from 5 submitters: Benign (5). Last evaluated 2026-02-04.

Conditions:
Deficiency of malonyl-CoA decarboxylase. Also called: Malonic aciduria; MCD deficiency. Identifiers: Orphanet 943, MedGen C0342793, MONDO:0009556, OMIM 248360.

Allele frequency attached by ClinVar (database versions not stated): ExAC 0.03614; ESP Exome Variant Server 0.06180; gnomAD 0.06538 and 0.06693; TOPMed 0.07200; 1000 Genomes Project 0.09844; 1000 Genomes Project 30x 0.09994.
gnomAD v4.1: 37,051 of 1,612,944 alleles (2.3%); highest among the groups gnomAD compares: African/African-American, 19%; 1,753 homozygotes.

Submissions (5):

Labcorp Genetics (formerly Invitae), Labcorp
Classification: Benign for Deficiency of malonyl-CoA decarboxylase. Last evaluated: 2026-02-04. Review status: criteria provided, single submitter. Criteria: Invitae Variant Classification Sherloc (09022015). Collection method: clinical testing. Allele origin: germline.

Mayo Clinic Laboratories, Mayo Clinic
Classification: Benign. Last evaluated: 2022-03-10. Review status: criteria provided, single submitter. Criteria: ACMG Guidelines, 2015. Collection method: clinical testing. Allele origin: germline. Observed: 3 variant alleles.

Illumina Laboratory Services, Illumina
Classification: Benign for Deficiency of malonyl-CoA decarboxylase. Last evaluated: 2018-01-13. Review status: criteria provided, single submitter. Criteria: ICSL Variant Classification Criteria 13 December 2019. Collection method: clinical testing. Allele origin: germline.
Comment: This variant was observed in the ICSL laboratory as part of a predisposition screen in an ostensibly healthy population. It had not been previously curated by ICSL or reported in the Human Gene Mutation Database (HGMD: prior to June 1st, 2018), and was therefore a candidate for classification through an automated scoring system. Utilizing variant allele frequency, disease prevalence and penetrance estimates, and inheritance mode, an automated score was calculated to assess if this variant is too frequent to cause the disease. Based on the score and internal cut-off values, a variant classified as benign is not then subjected to further curation. The score for this variant resulted in a classification of benign for this disease.

GeneDx
Classification: Benign. Last evaluated: 2015-03-03. Review status: criteria provided, single submitter. Criteria: GeneDx Variant Classification Process June 2021. Collection method: clinical testing. Allele origin: germline. Affected: yes.

Breakthrough Genomics
Classification: Benign. Review status: criteria provided, single submitter. Criteria: ACMG Guidelines, 2015. Collection method: not provided. Allele origin: germline. Inheritance: Autosomal recessive inheritance. Affected: yes.

NM_012213.3(MLYCD):c.529-8C>T

Gene: MLYCD (malonyl-CoA decarboxylase; plus strand). Cytogenetic location: 16q23.3.
Variant type: single nucleotide variant.
Coding change: c.529-8C>T on transcript NM_012213.3 (MANE Select); 8 bases into the intron before coding-DNA position 529, C replaced by T.
Molecular consequence: intron variant.
Genome position (GRCh38, 1-based): chr16:83,906,979, C>T. VCF-style: chr16-83906979-C-T. GRCh37 (hg19) VCF-style: chr16-83940584-C-T.
Other names: p.?.
Identifiers: ClinVar variation 320726 (VCV000320726.17), dbSNP rs3815806, ClinGen allele CA8197274.